The following is an entry in ClinVar:

NM_004168.4(SDHA):c.845G>A (p.Arg282Lys)

Gene: SDHA (succinate dehydrogenase complex flavoprotein subunit A; plus strand). Cytogenetic location: 5p15.33.
Variant type: single nucleotide variant.
Coding change: c.845G>A on transcript NM_004168.4 (MANE Select); coding-DNA position 845, G replaced by A.
Protein change: p.Arg282Lys; replaces arginine 282 with lysine.
Molecular consequence: missense variant.
Genome position (GRCh38, 1-based): chr5:230,950, G>A. VCF-style: chr5-230950-G-A. GRCh37 (hg19) VCF-style: chr5-231065-G-A.
Other names: c.701G>A, p.Arg234Lys (NM_001294332.2); c.845G>A, p.Arg282Lys (NM_001330758.2); short protein forms R282K, R234K.
Identifiers: ClinVar variation 2945018 (VCV002945018.3), dbSNP rs1735361111, ClinGen allele CA359011808.

ClinVar aggregate classification (germline): Uncertain significance (1 of 4 stars; one submission).

Conditions:
Mitochondrial complex II deficiency, nuclear type 1. Also called: SUCCINATE CoQ REDUCTASE DEFICIENCY. Identifiers: Orphanet 3208, MedGen C5700310, MONDO:0100294, OMIM 252011.
Pheochromocytoma/paraganglioma syndrome 5. Also called: Paragangliomas 5; SDHA-Related Hereditary Paraganglioma-Pheochromocytoma Syndrome. Identifiers: Orphanet 29072, MedGen C3279992, MONDO:0013602, OMIM 614165.

Submission:

Labcorp Genetics (formerly Invitae), Labcorp
Classification: Uncertain significance for Pheochromocytoma/paraganglioma syndrome 5; Mitochondrial complex II deficiency, nuclear type 1. Last evaluated: 2025-06-14. Review status: criteria provided, single submitter. Criteria: Invitae Variant Classification Sherloc (09022015). Collection method: clinical testing. Allele origin: germline.
Comment: This sequence change replaces arginine, which is basic and polar, with lysine, which is basic and polar, at codon 282 of the SDHA protein (p.Arg282Lys). This variant is not present in population databases (gnomAD no frequency). This variant has not been reported in the literature in individuals affected with SDHA-related conditions. ClinVar contains an entry for this variant (Variation ID: 2945018). Invitae Evidence Modeling of protein sequence and biophysical properties (such as structural, functional, and spatial information, amino acid conservation, physicochemical variation, residue mobility, and thermodynamic stability) indicates that this missense variant is not expected to disrupt SDHA protein function with a negative predictive value of 95%. In summary, the available evidence is currently insufficient to determine the role of this variant in disease. Therefore, it has been classified as a Variant of Uncertain Significance.